The following is an entry in ClinVar:

NM_001042472.3(ABHD12):c.1141C>T (p.Leu381=)

Gene: ABHD12 (abhydrolase domain containing 12, lysophospholipase; minus strand). Cytogenetic location: 20p11.21.
Variant type: single nucleotide variant.
Coding change: c.1141C>T on transcript NM_001042472.3 (MANE Select); coding-DNA position 1141, C replaced by T.
Protein change: p.Leu381=; no amino-acid change (leucine 381 retained).
Molecular consequence: synonymous variant.
Genome position (GRCh38, 1-based): chr20:25,302,235, G>A on the plus strand (C>T on the coding strand, the complement: ABHD12 is on the minus strand). VCF-style: chr20-25302235-G-A. GRCh37 (hg19) VCF-style: chr20-25282871-G-A.
Other names: p.Leu381=; c.1141C>T, p.Leu381= (NM_015600.5).
Identifiers: ClinVar variation 286962 (VCV000286962.17), dbSNP rs142709197, ClinGen allele CA9795818.
Genomic context (GRCh38, chr20:25,302,235, plus strand): 5'-GTGCTGCCCAGACGAAGCCCCTGGGTGGGAAGAGAATGTCTCACCTCAGTATCCGTGGCA[G>A]CTCAGGGCTCTTGTAAATGTATTTGTGCCTGTAGCCAAGGTCTGAATGAAAGGGCACAAA-3'
Protein context (NP_001035937.1, residues 371-391): RHKYIYKSPE[Leu381=]PRILREFLGK

ClinVar aggregate classification (germline): Benign/Likely benign. Review status: criteria provided, multiple submitters, no conflicts (2 of 4 stars). 5 submissions from 5 submitters: Benign (3); Likely benign (2). Last evaluated 2025-12-30.

Allele frequency attached by ClinVar (database versions not stated): gnomAD exomes 0.00015 and 0.00042; ExAC 0.00059; gnomAD 0.00181 and 0.00195; TOPMed 0.00203; 1000 Genomes Project 30x 0.00219; 1000 Genomes Project 0.00220; ESP Exome Variant Server 0.00223.
gnomAD v4.1: 497 of 1,613,540 alleles (0.031%); highest among the groups gnomAD compares: African/African-American, 0.62%; 2 homozygotes.

Submissions (5):

Labcorp Genetics (formerly Invitae), Labcorp
Classification: Benign. Last evaluated: 2025-12-30. Review status: criteria provided, single submitter. Criteria: Invitae Variant Classification Sherloc (09022015). Collection method: clinical testing. Allele origin: germline.

Blueprint Genetics
Classification: Likely benign. Last evaluated: 2024-11-26. Review status: criteria provided, single submitter. Criteria: ACMG Guidelines, 2015. Collection method: clinical testing. Allele origin: germline.

Mayo Clinic Laboratories, Mayo Clinic
Classification: Benign. Last evaluated: 2024-09-19. Review status: criteria provided, single submitter. Criteria: ACMG Guidelines, 2015. Collection method: clinical testing. Allele origin: germline. Observed: 3 variant alleles.
Comment: BA1, BP4, BP7

GeneDx
Classification: Benign. Last evaluated: 2019-12-31. Review status: criteria provided, single submitter. Criteria: GeneDx Variant Classification Process June 2021. Collection method: clinical testing. Allele origin: germline. Affected: yes.

Eurofins Ntd Llc (ga)
Classification: Likely benign. Last evaluated: 2016-04-07. Review status: criteria provided, single submitter. Criteria: EGL Classification Definitions 2015. Collection method: clinical testing. Allele origin: germline. Observed: 1 variant allele, 1 heterozygote.